The following is an entry in ClinVar:

ClinVar aggregate classification (germline): Uncertain significance (0 of 4 stars; one submission).

Conditions:
Polycystic kidney disease. Also called: Polycystic kidney dysplasia; Kidney, Polycystic. Identifiers: MedGen C0022680, MeSH D007690, MONDO:0020642, HP:0000113.

Submission:

Department of Pathology and Laboratory Medicine, Sinai Health System
Classification: Uncertain significance for Polycystic Kidney disease. Review status: no assertion criteria provided. Collection method: clinical testing. Allele origin: unknown. Affected: yes. Study: The Canadian Open Genetics Repository (COGR).
Comment: The PKD2 p.Pro163Arg variant was not identified in the literature nor was it identified in ClinVar, LOVD 3.0, ADPKD Mutation Database, PKD1-LOVD, the Exome Aggregation Consortium (August 8th 2016), or the Genome Aggregation Database (Feb 27, 2017). The p.Pro163Arg residue is not conserved in mammals and four out of five computational analyses (PolyPhen-2, SIFT, AlignGVGD, BLOSUM, MutationTaster) do not suggest a high likelihood of impact to the protein; however, this information is not predictive enough to rule out pathogenicity. The variant occurs outside of the splicing consensus sequence and 3/4 in silico or computational prediction software programs (SpliceSiteFinder, MaxEntScan, NNSPLICE, GeneSplicer) do not predict a difference in splicing. In summary, based on the above information the clinical significance of this variant cannot be determined with certainty at this time. This variant is classified as a variant of uncertain significance.

NM_000297.4(PKD2):c.488C>G (p.Pro163Arg)

Genes: PKD2 (polycystin 2, transient receptor potential cation channel; plus strand), LOC129992813 (ATAC-STARR-seq lymphoblastoid silent region 15559; plus strand). Cytogenetic location: 4q22.1.
Variant type: single nucleotide variant.
Coding change: c.488C>G on transcript NM_000297.4 (MANE Select); coding-DNA position 488, C replaced by G.
Protein change: p.Pro163Arg; replaces proline 163 with arginine.
Molecular consequence: missense variant. On other transcripts: non-coding transcript variant (1).
Genome position (GRCh38, 1-based): chr4:88,008,221, C>G. VCF-style: chr4-88008221-C-G. GRCh37 (hg19) VCF-style: chr4-88929373-C-G.
Other names: short protein forms P163R.
Identifiers: ClinVar variation 997194 (VCV000997194.1), dbSNP rs1726250193, ClinGen allele CA357626854.
Genomic context (GRCh38, chr4:88,008,221, plus strand): 5'-GCTACCACGGCGCGGGCCACCCGAGCGGGAGGCGGCGCCGGCGAGAGGACCAGGGCCCGC[C>G]GTGCCCCAGCCCAGTCGGCGGCGGGGACCCGCTGCATCGCCACCTCCCCCTGGAAGGGCA-3'
Protein context (NP_000288.1, residues 153-173): RRRRREDQGP[Pro163Arg]CPSPVGGGDP